The following is an entry in ClinVar:

ClinVar aggregate classification (germline): Conflicting classifications of pathogenicity. Review status: criteria provided, conflicting classifications (1 of 4 stars). 8 submissions from 8 submitters: Pathogenic (2); Likely pathogenic (4); Uncertain significance (1). 1 of the submissions does not count toward it. Last evaluated 2025-12-17.

Conditions:
Alanine glyoxylate aminotransferase deficiency. Identifiers: MedGen CN305373, MONDO:0100278.
Primary hyperoxaluria. Identifiers: Orphanet 416, MedGen C0020501, MONDO:0002474.
Primary hyperoxaluria, type I (HP1). Also called: GLYCOLIC ACIDURIA; HEPATIC AGT DEFICIENCY; OXALOSIS I; Primary hyperoxaluria type 1. Identifiers: Orphanet 416, Orphanet 93598, MedGen C0268164, MONDO:0009823, OMIM 259900. Disease mechanism: loss of function.

Submissions (8):

Natera, Inc.
Classification: Likely pathogenic for Primary hyperoxaluria type I. Last evaluated: 2025-12-17. Review status: criteria provided, single submitter. Criteria: Natera Variant Classification Schema (03/2026). Collection method: clinical testing. Allele origin: germline.
Comment: The c.662_664delCCT variant in AGXT is an in-frame deletion predicted to remove serine at amino acid 221 while preserving the reading frame. This variant is rare in the general population with a frequency below the threshold expected for the associated phenotype(s). This variant has been observed in one or more individuals affected with the associated recessive disease, as either homozygous or compound heterozygous with a second variant (PMID: 22844106, 26759051, 31078535, 38358912). This variant results in a change to the protein length while preserving reading frame, which may disrupt normal protein structure or function. Computational prediction algorithms indicate this variant is likely to affect gene or protein function. Given the available evidence, this variant is classified as Likely Pathogenic.

Baylor Genetics
Classification: Likely pathogenic for Primary hyperoxaluria, type I. Last evaluated: 2024-02-20. Review status: criteria provided, single submitter. Criteria: ACMG Guidelines, 2015. Collection method: clinical testing. Allele origin: unknown.

Clinical Biochemistry Laboratory, Health Services Laboratory
Classification: Pathogenic for Primary hyperoxaluria, type I. Last evaluated: 2023-10-27. Review status: criteria provided, single submitter. Criteria: ACMG Guidelines, 2015. Collection method: clinical testing. Allele origin: germline. Affected: yes.
Comment: Liver AGT activity <10%. ACMG: PS3 PM2 PP4

Labcorp Genetics (formerly Invitae), Labcorp
Classification: Pathogenic. Last evaluated: 2023-09-05. Review status: criteria provided, single submitter. Criteria: Invitae Variant Classification Sherloc (09022015). Collection method: clinical testing. Allele origin: germline.
Comment: This variant is present in population databases (rs796052071, gnomAD 0.006%). For these reasons, this variant has been classified as Pathogenic. This variant disrupts a region of the AGXT protein in which other variant(s) (p.Ser221Pro) have been observed in individuals with AGXT-related conditions (PMID: 25629080). This suggests that this is a clinically significant region of the protein, and that variants that disrupt it are likely to be disease-causing. ClinVar contains an entry for this variant (Variation ID: 204194). This variant has been observed in individual(s) with clinical features of primary hyperoxaluria type 1 (PMID: 22844106, 26759051, 35149915; Invitae). In at least one individual the data is consistent with being in trans (on the opposite chromosome) from a pathogenic variant. This variant, c.662_664del, results in the deletion of 1 amino acid(s) of the AGXT protein (p.Ser221del), but otherwise preserves the integrity of the reading frame.

Women's Health and Genetics/Laboratory Corporation of America, LabCorp
Classification: Likely pathogenic for Primary hyperoxaluria. Last evaluated: 2022-05-12. Review status: criteria provided, single submitter. Criteria: LabCorp Variant Classification Summary - May 2015. Collection method: clinical testing. Allele origin: germline.
Comment: Variant summary: AGXT c.662_664delCCT (p.Ser221del) results in an in-frame deletion that is predicted to remove 1 amino acid from the encoded protein. The variant allele was found at a frequency of 1.2e-05 in 251102 control chromosomes (gnomAD). c.662_664delCCT has been reported in the literature in homozygous and compound heterozygous individuals affected with Primary Hyperoxaluria Type 1 (van der Hoeven_2012, Poloni_2016, Birtel_2019). These data indicate that the variant is likely to be associated with disease. To our knowledge, no experimental evidence demonstrating an impact on protein function has been reported. No clinical diagnostic laboratories have submitted clinical-significance assessments for this variant to ClinVar after 2014. Based on the evidence outlined above, the variant was classified as likely pathogenic.

Department of Pathology and Laboratory Medicine, Sinai Health System
Classification: Uncertain significance for alanine glyoxylate aminotransferase deficiency. Last evaluated: 2022-03-25. Review status: criteria provided, single submitter. Criteria: ACMG Guidelines, 2015. Collection method: research. Allele origin: germline.

Fulgent Genetics
Classification: Likely pathogenic for Primary hyperoxaluria, type I. Last evaluated: 2021-10-28. Review status: criteria provided, single submitter. Criteria: ACMG Guidelines, 2015. Collection method: clinical testing. Allele origin: unknown.

Chinese Inherited Urolithiasis Consortium, The Affiliated Yantai Yuhuangding Hospital of Qingdao University
Classification: Likely pathogenic for Primary hyperoxaluria, type I. Last evaluated: 2024-08-26. Review status: no assertion criteria provided. Collection method: clinical testing. Allele origin: maternal. Affected: yes. Observed: 1 variant allele. Not counted in ClinVar's aggregate classification.

Literature cited by the submitters: PubMed 22844106 (cited by 3 submitters); PubMed 26759051 (cited by 3 submitters); PubMed 31078535 (cited by Natera, Inc. and Women's Health and Genetics/Laboratory Corporation of America, LabCorp); PubMed 38358912 (cited by Natera, Inc.); PubMed 25629080 (cited by Labcorp Genetics (formerly Invitae), Labcorp); PubMed 35149915 (cited by Labcorp Genetics (formerly Invitae), Labcorp).

NM_000030.3(AGXT):c.662_664del (p.Ser221del)

Gene: AGXT (alanine--glyoxylate aminotransferase; plus strand). Cytogenetic location: 2q37.3.
Variant type: Deletion.
Coding change: c.662_664del on transcript NM_000030.3 (MANE Select); coding-DNA positions 662 to 664, 3 bases deleted (CCT; older notation c.662_664delCCT).
Protein change: p.Ser221del; deletes serine 221.
Molecular consequence: inframe deletion.
Genome position (GRCh38, 1-based): chr2:240,874,044-240,874,046, CCT deleted; deleting any 3 consecutive bases within chr2:240,874,042-240,874,046 gives the same sequence; the c. name uses the placement nearest the transcript's 3' end. VCF-style (leftmost placement, unchanged base first): chr2-240874041-TCTC-T. GRCh37 (hg19) VCF-style: chr2-241813458-TCTC-T.
Other names: c.662_664delCCT (NM_000030.3); c.662_664del (NM_000030.2); short protein forms S221del.
Identifiers: ClinVar variation 204194 (VCV000204194.13), dbSNP rs796052071, ClinGen allele CA275845.